The following is an entry in ClinVar:

NM_000077.5(CDKN2A):c.458-2A>G

Gene: CDKN2A (cyclin dependent kinase inhibitor 2A; minus strand). Cytogenetic location: 9p21.3.
Variant type: single nucleotide variant.
Coding change: c.458-2A>G on transcript NM_000077.5 (MANE Select); the canonical splice acceptor site of the intron before coding-DNA position 458, A replaced by G.
Molecular consequence: splice acceptor variant.
Genome position (GRCh38, 1-based): chr9:21,968,244, T>C on the plus strand (A>G on the coding strand, the complement: CDKN2A is on the minus strand). VCF-style: chr9-21968244-T-C. GRCh37 (hg19) VCF-style: chr9-21968243-T-C.
Other names: c.305-2A>G (NM_001363763.2); c.*102-2A>G (NM_058195.4); c.*151-2A>G (NM_001195132.2); c.*381-2A>G (NM_058197.5).
Identifiers: ClinVar variation 642189 (VCV000642189.10), dbSNP rs1587325266, ClinGen allele CA373085088.
Genomic context (GRCh38, chr9:21,968,244, plus strand): 5'-GATGATCTAAGTTTCCCGAGGTTTCTCAGAGCCTCTCTGGTTCTTTCAATCGGGGATGTC[T>C]GCAGAGGGCAGAAAGAAAACAGGCGTTAGAAACCTGAGGTCAAAGATGTGTGGCACATCC-3'

ClinVar aggregate classification (germline): Uncertain significance. Review status: criteria provided, multiple submitters, no conflicts (2 of 4 stars). 2 submissions from 2 submitters: Uncertain significance (2). Last evaluated 2025-05-01.

Conditions:
Hereditary cancer-predisposing syndrome. Also called: Tumor predisposition; Hereditary neoplastic syndrome; Neoplastic Syndromes, Hereditary; Hereditary Cancer Syndrome. Identifiers: Orphanet 140162, MedGen C0027672, MeSH D009386, MONDO:0015356.
Familial melanoma. Also called: Hereditary melanoma; Hereditary cutaneous melanoma. Identifiers: Orphanet 618, MedGen C1512419, MONDO:0018961.

Submissions (2):

Ambry Genetics
Classification: Uncertain significance for Hereditary cancer-predisposing syndrome. Last evaluated: 2025-05-01. Review status: criteria provided, single submitter. Criteria: Ambry Variant Classification Scheme 2023. Collection method: clinical testing. Allele origin: germline.
Comment: The c.458-2A>G intronic variant results from an A to G substitution two nucleotides upstream from coding exon 3 in the CDKN2A gene. This variant occurs at the 3' terminus of the CDKN2A gene, is not expected to trigger nonsense-mediated mRNA decay, and only impacts the last four amino acids of the protein. The exact functional effect of this variant is unknown. This variant was identified in one Spanish melanoma-prone family (Potrony M et al. J Am Acad Dermatol, 2014 Nov;71:888-95). This nucleotide position is highly conserved in available vertebrate species. In silico splice site analysis predicts that this alteration will weaken the native splice acceptor site. Based on the available evidence, the clinical significance of this variant remains unclear.

Labcorp Genetics (formerly Invitae), Labcorp
Classification: Uncertain significance for Familial melanoma. Last evaluated: 2020-10-21. Review status: criteria provided, single submitter. Criteria: Invitae Variant Classification Sherloc (09022015). Collection method: clinical testing. Allele origin: germline.
Comment: In summary, the available evidence is currently insufficient to determine the role of this variant in disease. Therefore, it has been classified as a Variant of Uncertain Significance. Nucleotide substitutions within the consensus splice site are a relatively common cause of aberrant splicing (PMID: 17576681, 9536098). Algorithms developed to predict the effect of sequence changes on RNA splicing suggest that this variant may disrupt the consensus splice site, but this prediction has not been confirmed by published transcriptional studies. Disruption of this splice site has been observed in families affected with melanoma (PMID: 22841127) This variant is not present in population databases (ExAC no frequency). This sequence change affects an acceptor splice site in the last intron (intron 2) of the CDKN2A (p16INK4a) gene. While this is not anticipated to result in nonsense mediated decay, it likely alters RNA splicing and results in a disrupted protein product.

Literature cited by the submitters: PubMed 25064638 (cited by Ambry Genetics); PubMed 17576681 (cited by Labcorp Genetics (formerly Invitae), Labcorp); PubMed 9536098 (cited by Labcorp Genetics (formerly Invitae), Labcorp); PubMed 22841127 (cited by Labcorp Genetics (formerly Invitae), Labcorp).